The following is an entry in ClinVar:

ClinVar aggregate classification (germline): Pathogenic (1 of 4 stars; one submission).

Conditions:
Fanconi anemia (FA). Also called: Fanconi's anemia. Identifiers: Orphanet 84, MedGen C0015625, MeSH D005199, MONDO:0019391.

Submission:

Labcorp Genetics (formerly Invitae), Labcorp
Classification: Pathogenic for Fanconi anemia. Last evaluated: 2020-11-14. Review status: criteria provided, single submitter. Criteria: Invitae Variant Classification Sherloc (09022015). Collection method: clinical testing. Allele origin: germline.
Comment: This sequence change creates a premature translational stop signal (p.Arg29Profs*14) in the SLX4 gene. It is expected to result in an absent or disrupted protein product. Loss-of-function variants in SLX4 are known to be pathogenic (PMID: 21240277). This variant is not present in population databases (ExAC no frequency). This variant has not been reported in the literature in individuals with SLX4-related conditions. For these reasons, this variant has been classified as Pathogenic.

Literature cited by the submitters: PubMed 21240277.

NM_032444.4(SLX4):c.86_89del (p.Arg29fs)

Gene: SLX4 (SLX4 structure-specific endonuclease subunit; minus strand). Cytogenetic location: 16p13.3.
Variant type: Deletion.
Coding change: c.86_89del on transcript NM_032444.4 (MANE Select); coding-DNA positions 86 to 89, 4 bases deleted (GCTC; older notation c.86_89delGCTC).
Protein change: p.Arg29fs; shifts the reading frame from arginine 29.
Molecular consequence: frameshift variant.
Genome position (GRCh38, 1-based): chr16:3,608,876-3,608,879, GAGC deleted on the plus strand (GCTC on the coding strand, the reverse complement: SLX4 is on the minus strand); deleting any 4 consecutive bases within chr16:3,608,876-3,608,882 gives the same sequence; the c. name uses the placement nearest the transcript's 3' end. VCF-style (leftmost placement, unchanged base first): chr16-3608875-GGAGC-G. GRCh37 (hg19) VCF-style: chr16-3658876-GGAGC-G.
Other names: short protein forms R29fs.
Identifiers: ClinVar variation 1384595 (VCV001384595.6), dbSNP rs2151139911, ClinGen allele CA2573152046.